The following is an entry in ClinVar:

ClinVar aggregate classification (germline): Benign (0 of 4 stars; one submission).

Conditions:
KLHL21-related disorder. Also called: KLHL21-related condition.

Allele frequency attached by ClinVar (database versions not stated): gnomAD exomes 0.00112; ExAC 0.00764; gnomAD 0.01181; ESP Exome Variant Server 0.01225; 1000 Genomes Project 0.01258; 1000 Genomes Project 30x 0.01296; TOPMed 0.01353.
gnomAD v4.1: 3,447 of 1,562,822 alleles (0.22%); highest among the groups gnomAD compares: African/African-American, 4.1%; 58 homozygotes.

Submission:

PreventionGenetics, part of Exact Sciences
Classification: Benign for KLHL21-related condition. Last evaluated: 2019-08-13. Review status: no assertion criteria provided. Collection method: clinical testing. Allele origin: germline.
Comment: This variant is classified as benign based on ACMG/AMP sequence variant interpretation guidelines (Richards et al. 2015 PMID: 25741868, with internal and published modifications).

NM_014851.4(KLHL21):c.897C>T (p.Asp299=)

Genes: KLHL21 (kelch like family member 21; minus strand), LOC129929253 (ATAC-STARR-seq lymphoblastoid silent region 164; plus strand). Cytogenetic location: 1p36.31.
Variant type: single nucleotide variant.
Coding change: c.897C>T on transcript NM_014851.4 (MANE Select); coding-DNA position 897, C replaced by T.
Protein change: p.Asp299=; no amino-acid change (aspartic acid 299 retained).
Molecular consequence: synonymous variant.
Genome position (GRCh38, 1-based): chr1:6,601,921, G>A on the plus strand (C>T on the coding strand, the complement: KLHL21 is on the minus strand). VCF-style: chr1-6601921-G-A. GRCh37 (hg19) VCF-style: chr1-6661981-G-A.
Other names: c.897C>T, p.Asp299= (NM_001324309.2).
Identifiers: ClinVar variation 3034671 (VCV003034671.2), dbSNP rs2232456, ClinGen allele CA564436.